The following is an entry in ClinVar:

ClinVar aggregate classification (germline): Conflicting classifications of pathogenicity. Review status: criteria provided, conflicting classifications (1 of 4 stars). 5 submissions from 5 submitters: Uncertain significance (2); Likely benign (2). 1 of the submissions does not count toward it. Last evaluated 2026-01-24.

Conditions:
Inborn genetic diseases. Identifiers: MedGen C0950123, MeSH D030342.
DNAH9-related disorder. Also called: DNAH9-related condition.

Allele frequency attached by ClinVar (database versions not stated): gnomAD exomes 0.00029; gnomAD 0.00178 and 0.00195; 1000 Genomes Project 0.00180; 1000 Genomes Project 30x 0.00203; TOPMed 0.00213; ExAC 0.00647.
gnomAD v4.1: 459 of 1,402,268 alleles (0.033%); highest among the groups gnomAD compares: African/African-American, 0.62%; no homozygotes.

Submissions (5):

Labcorp Genetics (formerly Invitae), Labcorp
Classification: Likely benign. Last evaluated: 2026-01-24. Review status: criteria provided, single submitter. Criteria: Invitae Variant Classification Sherloc (09022015). Collection method: clinical testing. Allele origin: germline.

Ambry Genetics
Classification: Uncertain significance for Inborn genetic diseases. Last evaluated: 2025-10-30. Review status: criteria provided, single submitter. Criteria: Ambry Variant Classification Scheme 2023. Collection method: clinical testing. Allele origin: germline.

Blueprint Genetics
Classification: Likely benign. Last evaluated: 2024-06-19. Review status: criteria provided, single submitter. Criteria: ACMG Guidelines, 2015. Collection method: clinical testing. Allele origin: germline.

GeneDx
Classification: Uncertain significance. Last evaluated: 2023-06-26. Review status: criteria provided, single submitter. Criteria: GeneDx Variant Classification Process June 2021. Collection method: clinical testing. Allele origin: germline. Affected: yes.
Comment: In silico analysis supports that this missense variant does not alter protein structure/function; Has not been previously published as pathogenic or benign to our knowledge

PreventionGenetics, part of Exact Sciences
Classification: Likely benign for DNAH9-related condition. Last evaluated: 2019-07-31. Review status: no assertion criteria provided. Collection method: clinical testing. Allele origin: germline. Not counted in ClinVar's aggregate classification.
Comment: This variant is classified as likely benign based on ACMG/AMP sequence variant interpretation guidelines (Richards et al. 2015 PMID: 25741868, with internal and published modifications).

NM_001372.4(DNAH9):c.42C>G (p.Asn14Lys)

Gene: DNAH9 (dynein axonemal heavy chain 9; plus strand). Cytogenetic location: 17p12.
Variant type: single nucleotide variant.
Coding change: c.42C>G on transcript NM_001372.4 (MANE Select); coding-DNA position 42, C replaced by G.
Protein change: p.Asn14Lys; replaces asparagine 14 with lysine.
Molecular consequence: missense variant.
Genome position (GRCh38, 1-based): chr17:11,598,540, C>G. VCF-style: chr17-11598540-C-G. GRCh37 (hg19) VCF-style: chr17-11501857-C-G.
Other names: c.42C>G (NM_001372.3); short protein forms N14K.
Identifiers: ClinVar variation 1570552 (VCV001570552.15), dbSNP rs377715895, ClinGen allele CA8394451.
Genomic context (GRCh38, chr17:11,598,540, plus strand): 5'-CAGCTGGAGGCCGCGCGCGATGCGGCTCGCGGAGGAGCGGGCCGCGCTCGCGGCGGAGAA[C>G]GCGGATGGGGAACCCGGCGCCGACCGACGACTGCGACTCCTGGGGACCTACGTGGCCATG-3'
Protein context (NP_001363.2, residues 4-24): AEERAALAAE[Asn14Lys]ADGEPGADRR